The following is an entry in ClinVar:

ClinVar aggregate classification (germline): Likely pathogenic. Review status: criteria provided, multiple submitters, no conflicts (2 of 4 stars). 4 submissions from 4 submitters: Likely pathogenic (3). 1 of the submissions does not count toward it. Last evaluated 2026-03-02.

Conditions:
Aneurysm-osteoarthritis syndrome. Also called: SMAD3-Related Loeys-Dietz Syndrome; LOEYS-DIETZ SYNDROME WITH OSTEOARTHRITIS; ANEURYSMS-OSTEOARTHRITIS SYNDROME; Loeys-Dietz syndrome, type 1C. Identifiers: Orphanet 284984, MedGen C3151087, MONDO:0013426, OMIM 613795.
Familial thoracic aortic aneurysm and aortic dissection (TAAD). Also called: Thoracic aortic aneurysms and dissections. Identifiers: Orphanet 91387, MedGen C4707243, MONDO:0019625.

Submissions (4):

Ambry Genetics
Classification: Likely pathogenic for Familial thoracic aortic aneurysm and aortic dissection. Last evaluated: 2026-03-02. Review status: criteria provided, single submitter. Criteria: Ambry Variant Classification Scheme 2023. Collection method: clinical testing. Allele origin: germline.
Comment: The p.P263L variant (also known as c.788C>T), located in coding exon 6 of the SMAD3 gene, results from a C to T substitution at nucleotide position 788. The proline at codon 263 is replaced by leucine, an amino acid with similar properties. This variant was reported in individual(s) with features consistent with SMAD3-related Loeys-Dietz syndrome (van de Laar IM et al. J Med Genet, 2012 Jan;49:47-57; Chesneau B et al. Mol Genet Genomic Med, 2020 May;8:e1132; Ambry internal data). This missense variant is located in a region that has a low rate of benign missense variation (Lek M et al. Nature. 2016 Aug 18;536(7616):285-91; DECIPHER: Database of Chromosomal Imbalance and Phenotype in Humans using Ensembl Resources. Firth H.V. et al. 2009. Am.J.Hum.Genet. 84, 524-533 (DOI)). This amino acid position is highly conserved in available vertebrate species. In addition, this alteration is predicted to be deleterious by in silico analysis. This variant is considered to be rare based on population cohorts in the Genome Aggregation Database (gnomAD). Based on the majority of available evidence to date, this variant is likely to be pathogenic.

Labcorp Genetics (formerly Invitae), Labcorp
Classification: Likely pathogenic for Familial thoracic aortic aneurysm and aortic dissection. Last evaluated: 2024-12-17. Review status: criteria provided, single submitter. Criteria: Invitae Variant Classification Sherloc (09022015). Collection method: clinical testing. Allele origin: germline.
Comment: This sequence change replaces proline, which is neutral and non-polar, with leucine, which is neutral and non-polar, at codon 263 of the SMAD3 protein (p.Pro263Leu). This variant is not present in population databases (gnomAD no frequency). This missense change has been observed in individuals with SMAD3-related conditions (PMID: 22167769, 32154675). ClinVar contains an entry for this variant (Variation ID: 30314). Invitae Evidence Modeling of protein sequence and biophysical properties (such as structural, functional, and spatial information, amino acid conservation, physicochemical variation, residue mobility, and thermodynamic stability) indicates that this missense variant is expected to disrupt SMAD3 protein function with a positive predictive value of 80%. This variant disrupts the p.Pro263 amino acid residue in SMAD3. Other variant(s) that disrupt this residue have been determined to be pathogenic (internal data). This suggests that this residue is clinically significant, and that variants that disrupt this residue are likely to be disease-causing. In summary, the currently available evidence indicates that the variant is pathogenic, but additional data are needed to prove that conclusively. Therefore, this variant has been classified as Likely Pathogenic.

Genetics Department, University Hospital of Toulouse
Classification: Likely pathogenic for Loeys-Dietz syndrome 3. Last evaluated: 2019-07-19. Review status: criteria provided, single submitter. Criteria: ACMG Guidelines, 2015. Collection method: clinical testing. Allele origin: germline. Affected: yes. Observed: 1 variant allele.

OMIM
Classification: Pathogenic for LOEYS-DIETZ SYNDROME 3. Last evaluated: 2012-01-01. Review status: no assertion criteria provided. Collection method: literature only. Allele origin: germline. Not counted in ClinVar's aggregate classification.

Literature cited by the submitters: PubMed 22167769 (cited by 4 submitters); PubMed 32154675 (cited by Ambry Genetics and Labcorp Genetics (formerly Invitae), Labcorp).

NM_005902.4(SMAD3):c.788C>T (p.Pro263Leu)

Gene: SMAD3 (SMAD family member 3; plus strand). Cytogenetic location: 15q22.33.
Variant type: single nucleotide variant.
Coding change: c.788C>T on transcript NM_005902.4 (MANE Select); coding-DNA position 788, C replaced by T.
Protein change: p.Pro263Leu; replaces proline 263 with leucine.
Molecular consequence: missense variant.
Genome position (GRCh38, 1-based): chr15:67,181,370, C>T. VCF-style: chr15-67181370-C-T. GRCh37 (hg19) VCF-style: chr15-67473708-C-T.
Other names: c.473C>T, p.Pro158Leu (NM_001145102.2); c.656C>T, p.Pro219Leu (NM_001145103.2); c.203C>T, p.Pro68Leu (NM_001145104.2); short protein forms P263L, P158L, P68L, P219L.
Identifiers: ClinVar variation 30314 (VCV000030314.12), dbSNP rs387906855, ClinGen allele CA020114.